The following is an entry in ClinVar:

ClinVar aggregate classification (germline): Uncertain significance. Review status: criteria provided, multiple submitters, no conflicts (2 of 4 stars). 5 submissions from 5 submitters: Uncertain significance (5). Last evaluated 2026-04-22.

Conditions:
Brugada syndrome 5 (BRGDA5). Identifiers: Orphanet 130, Orphanet 871, MedGen C2748541, MONDO:0013015, OMIM 612838.
Generalized epilepsy with febrile seizures plus, type 1 (GEFSP1). Also called: GEFS+, TYPE 1. Identifiers: Orphanet 36387, MedGen C1858672, MONDO:0011416, OMIM 604233.
Atrial fibrillation, familial, 13 (ATFB13). Identifiers: MedGen C3809311, MONDO:0014155, OMIM 615377.
Developmental and epileptic encephalopathy, 52 (DEE52). Also called: Epileptic encephalopathy, early infantile, 52. Identifiers: MedGen C4479236, MONDO:0033361, OMIM 617350.
Cardiovascular phenotype. Identifiers: MedGen CN230736.

Submissions (5):

GeneDx
Classification: Uncertain significance. Last evaluated: 2026-04-22. Review status: criteria provided, single submitter. Criteria: GeneDx Variant Classification Process June 2021. Collection method: clinical testing. Allele origin: germline.
Comment: Not observed at significant frequency in large population cohorts (gnomAD); In silico analysis supports that this missense variant has a deleterious effect on protein structure/function; Has not been previously published as pathogenic or benign to our knowledge

Ambry Genetics
Classification: Uncertain significance for Cardiovascular phenotype. Last evaluated: 2024-10-07. Review status: criteria provided, single submitter. Criteria: Ambry Variant Classification Scheme 2023. Collection method: clinical testing. Allele origin: germline.
Comment: The p.E195A variant (also known as c.584A>C), located in coding exon 4 of the SCN1B gene, results from an A to C substitution at nucleotide position 584. The glutamic acid at codon 195 is replaced by alanine, an amino acid with dissimilar properties. This amino acid position is conserved. In addition, the in silico prediction for this alteration is inconclusive. Based on the available evidence, the clinical significance of this variant remains unclear.

Labcorp Genetics (formerly Invitae), Labcorp
Classification: Uncertain significance for Brugada syndrome 5. Last evaluated: 2022-08-21. Review status: criteria provided, single submitter. Criteria: Invitae Variant Classification Sherloc (09022015). Collection method: clinical testing. Allele origin: germline.
Comment: This variant has not been reported in the literature in individuals affected with SCN1B-related conditions. Experimental studies and prediction algorithms are not available or were not evaluated, and the functional significance of this variant is currently unknown. In summary, the available evidence is currently insufficient to determine the role of this variant in disease. Therefore, it has been classified as a Variant of Uncertain Significance. This variant is not present in population databases (gnomAD no frequency). The SCN1B gene has multiple clinically relevant transcripts. This variant occurs in alternate transcript NM_001037.4, and corresponds to NM_199037.3:c.*5154A>C in the primary transcript. This sequence change replaces glutamic acid, which is acidic and polar, with alanine, which is neutral and non-polar, at codon 195 of the SCN1B protein (p.Glu195Ala).

Fulgent Genetics
Classification: Uncertain significance for Generalized epilepsy with febrile seizures plus, type 1; Brugada syndrome 5; Atrial fibrillation, familial, 13; Developmental and epileptic encephalopathy, 52. Last evaluated: 2021-08-24. Review status: criteria provided, single submitter. Criteria: ACMG Guidelines, 2015. Collection method: clinical testing. Allele origin: unknown.

AiLife Diagnostics
Classification: Uncertain significance. Last evaluated: 2021-07-19. Review status: criteria provided, single submitter. Criteria: ACMG Guidelines, 2015. Collection method: clinical testing. Allele origin: germline. Affected: yes. Observed: 1 variant allele.

NM_001037.5(SCN1B):c.584A>C (p.Glu195Ala)

Gene: SCN1B (sodium voltage-gated channel beta subunit 1; plus strand). Cytogenetic location: 19q13.11.
Variant type: single nucleotide variant.
Coding change: c.584A>C on transcript NM_001037.5 (MANE Select); coding-DNA position 584, A replaced by C.
Protein change: p.Glu195Ala; replaces glutamic acid 195 with alanine.
Molecular consequence: missense variant.
Genome position (GRCh38, 1-based): chr19:35,039,252, A>C. VCF-style: chr19-35039252-A-C. GRCh37 (hg19) VCF-style: chr19-35530156-A-C.
Other names: c.485A>C, p.Glu162Ala (NM_001321605.2); c.584A>C (NM_001037.4); short protein forms E162A, E195A.
Identifiers: ClinVar variation 1677376 (VCV001677376.9), dbSNP rs2151748815, ClinGen allele CA405330183.